The following is an entry in ClinVar:

NM_030930.4(UNC93B1):c.572A>G (p.His191Arg)

Gene: UNC93B1 (unc-93B1 regulator of TLR signaling; minus strand). Cytogenetic location: 11q13.2.
Variant type: single nucleotide variant.
Coding change: c.572A>G on transcript NM_030930.4 (MANE Select); coding-DNA position 572, A replaced by G.
Protein change: p.His191Arg; replaces histidine 191 with arginine.
Molecular consequence: missense variant.
Genome position (GRCh38, 1-based): chr11:67,999,288, T>C on the plus strand (A>G on the coding strand, the complement: UNC93B1 is on the minus strand). VCF-style: chr11-67999288-T-C. GRCh37 (hg19) VCF-style: chr11-67766758-T-C.
Other names: c.572A>G (NM_030930.2); short protein forms H191R.
Identifiers: ClinVar variation 1409714 (VCV001409714.7), dbSNP rs750569131, ClinGen allele CA6145604.
Genomic context (GRCh38, chr11:67,999,288, plus strand): 5'-CCCCGCGGAGGCCGCTGCTTCATCCCCTGCCCATCCTGCTCCTTGTAGTGGGAGTACTCA[T>C]GGTACTTCTGCGCCATCCTGGACCACAAAGGAGAGAAGGCTCTCCCCAGCCCGACCTGTG-3'
Protein context (NP_112192.2, residues 181-201): NYITRMAQKY[His191Arg]EYSHYKEQDG

ClinVar aggregate classification (germline): Uncertain significance. Review status: criteria provided, multiple submitters, no conflicts (2 of 4 stars). 2 submissions from 2 submitters: Uncertain significance (2). Last evaluated 2024-02-05.

Conditions:
Encephalopathy, acute, infection-induced (herpes-specific), susceptibility to, 1. Also called: Herpes simplex encephalitis, susceptibility to, 1. Identifiers: Orphanet 1930, MedGen C2750180, MONDO:0024563, OMIM 610551.

Allele frequency attached by ClinVar (database versions not stated): gnomAD exomes below 0.00001; ExAC 0.00001.
gnomAD v4.1: 2 of 1,613,530 alleles (0.00012%); highest among the groups gnomAD compares: East Asian, 0.0022%; no homozygotes.

Submissions (2):

Ambry Genetics
Classification: Uncertain significance. Last evaluated: 2024-02-05. Review status: criteria provided, single submitter. Criteria: Ambry Variant Classification Scheme 2023. Collection method: clinical testing. Allele origin: germline.

Labcorp Genetics (formerly Invitae), Labcorp
Classification: Uncertain significance for Encephalopathy, acute, infection-induced (herpes-specific), susceptibility to, 1. Last evaluated: 2021-09-09. Review status: criteria provided, single submitter. Criteria: Invitae Variant Classification Sherloc (09022015). Collection method: clinical testing. Allele origin: germline.
Comment: In summary, the available evidence is currently insufficient to determine the role of this variant in disease. Therefore, it has been classified as a Variant of Uncertain Significance. Experimental studies and prediction algorithms are not available or were not evaluated, and the functional significance of this variant is currently unknown. This variant has not been reported in the literature in individuals with UNC93B1-related conditions. This variant is present in population databases (rs750569131, ExAC 0.007%). This sequence change replaces histidine with arginine at codon 191 of the UNC93B1 protein (p.His191Arg). The histidine residue is weakly conserved and there is a small physicochemical difference between histidine and arginine.